The following is an entry in ClinVar:

ClinVar aggregate classification (germline): Uncertain significance. Review status: criteria provided, multiple submitters, no conflicts (2 of 4 stars). 2 submissions from 2 submitters: Uncertain significance (2). Last evaluated 2025-09-01.

Conditions:
Inborn genetic diseases. Identifiers: MedGen C0950123, MeSH D030342.
Aicardi-Goutieres syndrome 5. Identifiers: Orphanet 51, MedGen C2749659, MONDO:0013059, OMIM 612952.

Allele frequency attached by ClinVar (database versions not stated): gnomAD exomes below 0.00001 and 0.00001.
gnomAD v4.1: 5 of 1,613,106 alleles (0.00031%); highest among the groups gnomAD compares: African/African-American, 0.0013%; no homozygotes.

Submissions (2):

Ambry Genetics
Classification: Uncertain significance for Inborn genetic diseases. Last evaluated: 2025-09-01. Review status: criteria provided, single submitter. Criteria: Ambry Variant Classification Scheme 2023. Collection method: clinical testing. Allele origin: germline.

Labcorp Genetics (formerly Invitae), Labcorp
Classification: Uncertain significance for Aicardi-Goutieres syndrome 5. Last evaluated: 2022-02-19. Review status: criteria provided, single submitter. Criteria: Invitae Variant Classification Sherloc (09022015). Collection method: clinical testing. Allele origin: germline.
Comment: This sequence change replaces proline, which is neutral and non-polar, with serine, which is neutral and polar, at codon 223 of the SAMHD1 protein (p.Pro223Ser). This variant is present in population databases (no rsID available, gnomAD 0.0009%). This variant has not been reported in the literature in individuals affected with SAMHD1-related conditions. Algorithms developed to predict the effect of missense changes on protein structure and function are either unavailable or do not agree on the potential impact of this missense change (SIFT: "Deleterious"; PolyPhen-2: "Possibly Damaging"; Align-GVGD: "Class C0"). In summary, the available evidence is currently insufficient to determine the role of this variant in disease. Therefore, it has been classified as a Variant of Uncertain Significance.

NM_015474.4(SAMHD1):c.667C>T (p.Pro223Ser)

Gene: SAMHD1 (SAM and HD domain containing deoxynucleoside triphosphate triphosphohydrolase 1; minus strand). Cytogenetic location: 20q11.23.
Variant type: single nucleotide variant.
Coding change: c.667C>T on transcript NM_015474.4 (MANE Select); coding-DNA position 667, C replaced by T.
Protein change: p.Pro223Ser; replaces proline 223 with serine.
Molecular consequence: missense variant.
Genome position (GRCh38, 1-based): chr20:36,927,211, G>A on the plus strand (C>T on the coding strand, the complement: SAMHD1 is on the minus strand). VCF-style: chr20-36927211-G-A. GRCh37 (hg19) VCF-style: chr20-35555614-G-A.
Other names: c.667C>T (NM_015474.3); c.667C>T, p.Pro223Ser (NM_001363729.2, NM_001363733.2); short protein forms P223S.
Identifiers: ClinVar variation 1449207 (VCV001449207.7), dbSNP rs1235181942, ClinGen allele CA408821543.